The following is an entry in ClinVar:

NM_020944.3(GBA2):c.559G>A (p.Ala187Thr)

Gene: GBA2 (glucosylceramidase beta 2; minus strand). Cytogenetic location: 9p13.3.
Variant type: single nucleotide variant.
Coding change: c.559G>A on transcript NM_020944.3 (MANE Select); coding-DNA position 559, G replaced by A.
Protein change: p.Ala187Thr; replaces alanine 187 with threonine.
Molecular consequence: missense variant.
Genome position (GRCh38, 1-based): chr9:35,744,305, C>T on the plus strand (G>A on the coding strand, the complement: GBA2 is on the minus strand). VCF-style: chr9-35744305-C-T. GRCh37 (hg19) VCF-style: chr9-35744302-C-T.
Other names: c.559G>A, p.Ala187Thr (NM_001330660.2); short protein forms A187T.
Identifiers: ClinVar variation 1983884 (VCV001983884.2), dbSNP rs553994777, ClinGen allele CA5050693.

ClinVar aggregate classification (germline): Uncertain significance. Review status: criteria provided, multiple submitters, no conflicts (2 of 4 stars). 2 submissions from 2 submitters: Uncertain significance (2). Last evaluated 2024-09-13.

Conditions:
Spastic paraplegia. Identifiers: MedGen C0037772, HP:0001258.

Allele frequency attached by ClinVar (database versions not stated): gnomAD 0.00001; gnomAD exomes 0.00001; ExAC 0.00003; 1000 Genomes Project 30x 0.00031; 1000 Genomes Project 0.00040.
gnomAD v4.1: 19 of 1,598,254 alleles (0.0012%); highest among the groups gnomAD compares: South Asian, 0.0099%; 1 homozygote.

Submissions (2):

Blueprint Genetics
Classification: Uncertain significance. Last evaluated: 2024-09-13. Review status: criteria provided, single submitter. Criteria: ACMG Guidelines, 2015. Collection method: clinical testing. Allele origin: germline.

Labcorp Genetics (formerly Invitae), Labcorp
Classification: Uncertain significance for Spastic paraplegia. Last evaluated: 2022-06-19. Review status: criteria provided, single submitter. Criteria: Invitae Variant Classification Sherloc (09022015). Collection method: clinical testing. Allele origin: germline.
Comment: This sequence change replaces alanine, which is neutral and non-polar, with threonine, which is neutral and polar, at codon 187 of the GBA2 protein (p.Ala187Thr). This variant is present in population databases (rs553994777, gnomAD 0.02%). This variant has not been reported in the literature in individuals affected with GBA2-related conditions. Algorithms developed to predict the effect of missense changes on protein structure and function are either unavailable or do not agree on the potential impact of this missense change (SIFT: "Deleterious"; PolyPhen-2: "Possibly Damaging"; Align-GVGD: "Class C0"). In summary, the available evidence is currently insufficient to determine the role of this variant in disease. Therefore, it has been classified as a Variant of Uncertain Significance.